The following is an entry in ClinVar:

ClinVar aggregate classification (germline): Uncertain significance (1 of 4 stars; one submission).

Allele frequency attached by ClinVar (database versions not stated): gnomAD 0.00001; gnomAD exomes 0.00001 and 0.00002.
gnomAD v4.1: 30 of 1,519,122 alleles (0.002%); highest among the groups gnomAD compares: Non-Finnish European, 0.0022%; no homozygotes.

Submission:

Women's Health and Genetics/Laboratory Corporation of America, LabCorp
Classification: Uncertain significance. Last evaluated: 2022-05-20. Review status: criteria provided, single submitter. Criteria: LabCorp Variant Classification Summary - May 2015. Collection method: clinical testing. Allele origin: germline.
Comment: Variant summary: KMT2E c.1132C>T (p.Pro378Ser) results in a non-conservative amino acid change located in the Overlapping homologous superfamilies domain of the encoded protein sequence. Five of five in-silico tools predict a damaging effect of the variant on protein function. The variant allele was found at a frequency of 1.2e-05 in 250978 control chromosomes. The available data on variant occurrences in the general population are insufficient to allow any conclusion about variant significance. To our knowledge, no occurrence of c.1132C>T in individuals affected with O'Donnell-Luria-Rodan Syndrome and no experimental evidence demonstrating its impact on protein function have been reported. No clinical diagnostic laboratories have submitted clinical-significance assessments for this variant to ClinVar after 2014. Based on the evidence outlined above, the variant was classified as uncertain significance.

NM_182931.3(KMT2E):c.1132C>T (p.Pro378Ser)

Gene: KMT2E (lysine methyltransferase 2E (inactive); plus strand). Cytogenetic location: 7q22.3.
Variant type: single nucleotide variant.
Coding change: c.1132C>T on transcript NM_182931.3 (MANE Select); coding-DNA position 1132, C replaced by T.
Protein change: p.Pro378Ser; replaces proline 378 with serine.
Molecular consequence: missense variant.
Genome position (GRCh38, 1-based): chr7:105,078,847, C>T. VCF-style: chr7-105078847-C-T. GRCh37 (hg19) VCF-style: chr7-104719294-C-T.
Other names: c.1132C>T, p.Pro378Ser (NM_018682.4); short protein forms P378S.
Identifiers: ClinVar variation 1696042 (VCV001696042.1), dbSNP rs200903934, ClinGen allele CA163991913.